The following is an entry in ClinVar:

NM_002609.4(PDGFRB):c.1109G>A (p.Arg370His)

Gene: PDGFRB (platelet derived growth factor receptor beta; minus strand). Cytogenetic location: 5q32.
Variant type: single nucleotide variant.
Coding change: c.1109G>A on transcript NM_002609.4 (MANE Select); coding-DNA position 1109, G replaced by A.
Protein change: p.Arg370His; replaces arginine 370 with histidine.
Molecular consequence: missense variant.
Genome position (GRCh38, 1-based): chr5:150,132,768, C>T on the plus strand (G>A on the coding strand, the complement: PDGFRB is on the minus strand). VCF-style: chr5-150132768-C-T. GRCh37 (hg19) VCF-style: chr5-149512331-C-T.
Other names: c.917G>A, p.Arg306His (NM_001355016.2); c.626G>A, p.Arg209His (NM_001355017.2); short protein forms R209H, R306H, R370H.
Identifiers: ClinVar variation 2284348 (VCV002284348.5), dbSNP rs1399784936, ClinGen allele CA361719545.

ClinVar aggregate classification (germline): Uncertain significance. Review status: criteria provided, multiple submitters, no conflicts (2 of 4 stars). 2 submissions from 2 submitters: Uncertain significance (2). Last evaluated 2023-10-17.

Conditions:
Skeletal overgrowth-craniofacial dysmorphism-hyperelastic skin-white matter lesions syndrome. Also called: SKELETAL OVERGROWTH WITH FACIAL DYSMORPHISM, HYPERELASTIC SKIN, WHITE MATTER LESIONS, AND NEUROLOGIC DETERIORATION; Kosaki overgrowth syndrome. Identifiers: Orphanet 477831, MedGen C4225270, MONDO:0014704, OMIM 616592.
Infantile myofibromatosis (IMF). Also called: Congenital generalized fibromatosis. Identifiers: Orphanet 2591, MedGen C0432284, MONDO:0016824.
Basal ganglia calcification, idiopathic, 4 (PFBC4). Also called: Familial Idiopathic Basal Ganglia Calcification 4; PRIMARY FAMILIAL BRAIN CALCIFICATION 4, AUTOSOMAL DOMINANT. Identifiers: Orphanet 1980, MedGen C3554321, MONDO:0014004, OMIM 615007.
Acroosteolysis-keloid-like lesions-premature aging syndrome. Also called: Progeroid syndrome, Penttinen type; Premature aging syndrome, Penttinen type; Prematurely aged appearance, delayed bone maturation, acro-osteolysis, and brachydactyly. Identifiers: Orphanet 363665, MedGen C1866182, MONDO:0011150, OMIM 601812.
Inborn genetic diseases. Identifiers: MedGen C0950123, MeSH D030342.

Allele frequency attached by ClinVar (database versions not stated): TOPMed 0.00001.
gnomAD v4.1: 10 of 1,612,940 alleles (0.00062%); highest among the groups gnomAD compares: African/African-American, 0.0013%; 1 homozygote.

Submissions (2):

Labcorp Genetics (formerly Invitae), Labcorp
Classification: Uncertain significance for Basal ganglia calcification, idiopathic, 4; Skeletal overgrowth-craniofacial dysmorphism-hyperelastic skin-white matter lesions syndrome; Infantile myofibromatosis; Acroosteolysis-keloid-like lesions-premature aging syndrome. Last evaluated: 2023-10-17. Review status: criteria provided, single submitter. Criteria: Invitae Variant Classification Sherloc (09022015). Collection method: clinical testing. Allele origin: germline.
Comment: This sequence change replaces arginine, which is basic and polar, with histidine, which is basic and polar, at codon 370 of the PDGFRB protein (p.Arg370His). This variant is present in population databases (no rsID available, gnomAD 0.0009%). This variant has not been reported in the literature in individuals affected with PDGFRB-related conditions. ClinVar contains an entry for this variant (Variation ID: 2284348). Advanced modeling of protein sequence and biophysical properties (such as structural, functional, and spatial information, amino acid conservation, physicochemical variation, residue mobility, and thermodynamic stability) performed at Invitae indicates that this missense variant is not expected to disrupt PDGFRB protein function. In summary, the available evidence is currently insufficient to determine the role of this variant in disease. Therefore, it has been classified as a Variant of Uncertain Significance.

Ambry Genetics
Classification: Uncertain significance for Inborn genetic diseases. Last evaluated: 2022-04-14. Review status: criteria provided, single submitter. Criteria: Ambry Variant Classification Scheme 2023. Collection method: clinical testing. Allele origin: germline.